The following is an entry in ClinVar:

NM_005257.6(GATA6):c.540G>C (p.Ala180=)

Gene: GATA6 (GATA binding protein 6; plus strand). Cytogenetic location: 18q11.2.
Variant type: single nucleotide variant.
Coding change: c.540G>C on transcript NM_005257.6 (MANE Select); coding-DNA position 540, G replaced by C.
Protein change: p.Ala180=; no amino-acid change (alanine 180 retained).
Molecular consequence: synonymous variant.
Genome position (GRCh38, 1-based): chr18:22,171,684, G>C. VCF-style: chr18-22171684-G-C. GRCh37 (hg19) VCF-style: chr18-19751645-G-C.
Identifiers: ClinVar variation 3057085 (VCV003057085.2), dbSNP rs2510625934, ClinGen allele CA503529670.

ClinVar aggregate classification (germline): Likely benign (0 of 4 stars; one submission).

Conditions:
GATA6-related disorder. Also called: GATA6-related condition.

Submission:

PreventionGenetics, part of Exact Sciences
Classification: Likely benign for GATA6-related condition. Last evaluated: 2020-02-19. Review status: no assertion criteria provided. Collection method: clinical testing. Allele origin: germline.
Comment: This variant is classified as likely benign based on ACMG/AMP sequence variant interpretation guidelines (Richards et al. 2015 PMID: 25741868, with internal and published modifications).